The following is an entry in ClinVar:

NM_005876.5(SPEG):c.9134G>A (p.Arg3045Gln)

Genes: ASIC4-AS1 (ASIC4 antisense RNA 1; minus strand), SPEG (striated muscle enriched protein kinase; plus strand). Cytogenetic location: 2q35.
Variant type: single nucleotide variant.
Coding change: c.9134G>A on transcript NM_005876.5 (MANE Select); coding-DNA position 9134, G replaced by A.
Protein change: p.Arg3045Gln; replaces arginine 3045 with glutamine.
Molecular consequence: missense variant.
Genome position (GRCh38, 1-based): chr2:219,490,621, G>A. VCF-style: chr2-219490621-G-A. GRCh37 (hg19) VCF-style: chr2-220355343-G-A.
Other names: c.9134G>A (NM_005876.4); short protein forms R3045Q.
Identifiers: ClinVar variation 3391320 (VCV003391320.2).

ClinVar aggregate classification (germline): Uncertain significance. Review status: criteria provided, multiple submitters, no conflicts (2 of 4 stars). 2 submissions from 2 submitters: Uncertain significance (2). Last evaluated 2025-05-03.

Conditions:
Inborn genetic diseases. Identifiers: MedGen C0950123, MeSH D030342.
Myopathy, centronuclear, 5 (CNM5). Identifiers: Orphanet 169186, MedGen C4014814, MONDO:0014418, OMIM 615959.

gnomAD v4.1: 112 of 1,611,756 alleles (0.0069%); highest among the groups gnomAD compares: South Asian, 0.079%; 1 homozygote.

Submissions (2):

Ambry Genetics
Classification: Uncertain significance for Inborn genetic diseases. Last evaluated: 2025-05-03. Review status: criteria provided, single submitter. Criteria: Ambry Variant Classification Scheme 2023. Collection method: clinical testing. Allele origin: germline.

Neuberg Centre For Genomic Medicine, NCGM
Classification: Uncertain significance for Myopathy, centronuclear, 5. Review status: criteria provided, single submitter. Criteria: ACMG Guidelines, 2015. Collection method: clinical testing. Allele origin: germline. Affected: yes.
Comment: The observed missense variant c.9134G>Ap.Arg3045Gln in the SPEG gene has not been reported previously as a pathogenic variant nor as a benign variant, to our knowledge. This variant is reported with the allele frequency 0.01% in the gnomAD Exomes. The amino acid Arg at position 3045 is changed to a Gln changing protein sequence and it might alter its composition and physico-chemical properties. Multiple lines of computational evidence Polyphen - Damaging and SIFT - Damaging predict a damaging effect on protein structure and function for this variant. The residue is conserved by GERP++ and PhyloP across 100 vertebrates. For these reasons, this variant has been classified as Uncertain Significance.